The following is an entry in ClinVar:

NM_001372044.2(SHANK3):c.1973G>T (p.Gly658Val)

Genes: SHANK3 (SH3 and multiple ankyrin repeat domains 3; plus strand), LOC126863188 (CDK7 strongly-dependent group 2 enhancer GRCh37_chr22:51142004-51143203; plus strand). Cytogenetic location: 22q13.33.
Variant type: single nucleotide variant.
Coding change: c.1973G>T on transcript NM_001372044.2 (MANE Select); coding-DNA position 1973, G replaced by T.
Protein change: p.Gly658Val; replaces glycine 658 with valine.
Molecular consequence: missense variant.
Genome position (GRCh38, 1-based): chr22:50,704,225, G>T. VCF-style: chr22-50704225-G-T. GRCh37 (hg19) VCF-style: chr22-51142653-G-T.
Other names: c.1748G>T (NM_033517.1); short protein forms G658V.
Identifiers: ClinVar variation 5037018 (VCV005037018.1).

ClinVar aggregate classification (germline): Uncertain significance (1 of 4 stars; one submission).

Submission:

GeneDx
Classification: Uncertain significance. Last evaluated: 2026-04-12. Review status: criteria provided, single submitter. Criteria: GeneDx Variant Classification Process June 2021. Collection method: clinical testing. Allele origin: germline.
Comment: Not observed at significant frequency in large population cohorts (gnomAD); In silico analysis supports that this missense variant has a deleterious effect on protein structure/function; Has not been previously published as pathogenic or benign to our knowledge